The following is an entry in ClinVar:

NM_020433.5(JPH2):c.640G>T (p.Ala214Ser)

Gene: JPH2 (junctophilin 2; minus strand). Cytogenetic location: 20q13.12.
Variant type: single nucleotide variant.
Coding change: c.640G>T on transcript NM_020433.5 (MANE Select); coding-DNA position 640, G replaced by T.
Protein change: p.Ala214Ser; replaces alanine 214 with serine.
Molecular consequence: missense variant.
Genome position (GRCh38, 1-based): chr20:44,160,147, C>A on the plus strand (G>T on the coding strand, the complement: JPH2 is on the minus strand). VCF-style: chr20-44160147-C-A. GRCh37 (hg19) VCF-style: chr20-42788787-C-A.
Other names: short protein forms A214S.
Identifiers: ClinVar variation 3901570 (VCV003901570.1).

ClinVar aggregate classification (germline): Uncertain significance (1 of 4 stars; one submission).

Submission:

GeneDx
Classification: Uncertain significance. Last evaluated: 2024-12-07. Review status: criteria provided, single submitter. Criteria: GeneDx Variant Classification Process June 2021. Collection method: clinical testing. Allele origin: germline. Affected: yes.
Comment: Not observed at significant frequency in large population cohorts (gnomAD); In silico analysis indicates that this missense variant does not alter protein structure/function; Has not been previously published as pathogenic or benign to our knowledge